The following is an entry in ClinVar:

NM_144599.5(NIPA1):c.14C>T (p.Ala5Val)

Genes: NIPA1 (NIPA magnesium transporter 1; plus strand), LOC130056709 (ATAC-STARR-seq lymphoblastoid silent region 6259; plus strand). Cytogenetic location: 15q11.2.
Variant type: single nucleotide variant.
Coding change: c.14C>T on transcript NM_144599.5 (MANE Select); coding-DNA position 14, C replaced by T.
Protein change: p.Ala5Val; replaces alanine 5 with valine.
Molecular consequence: missense variant. On other transcripts: intron variant (1).
Genome position (GRCh38, 1-based): chr15:22,786,670, C>T. VCF-style: chr15-22786670-C-T. GRCh37 (hg19) VCF-style: chr15-23086398-G-A.
Other names: c.-48+422C>T (NM_001142275.1); short protein forms A5V.
Identifiers: ClinVar variation 2711857 (VCV002711857.3), dbSNP rs2504911108, ClinGen allele CA391298185.
Genomic context (GRCh38, chr15:22,786,670, plus strand): 5'-CGGGGCGCGGCGCGCAGGCGCAGGCTCGGAGGGCGGGCGCGGGCGGAATGGGGACTGCAG[C>T]TGCGGCAGCGGCGGCGGCGGCGGCGGCGGCGGCCGGGGAGGGGGCGCGTAGCCCGAGCCC-3'
Protein context (NP_653200.2, residues 1-15): MGTA[Ala5Val]AAAAAAAAAA

ClinVar aggregate classification (germline): Uncertain significance (1 of 4 stars; one submission).

Conditions:
Hereditary spastic paraplegia 6 (SPG6). Also called: SPASTIC PARAPLEGIA 6, AUTOSOMAL DOMINANT. Identifiers: Orphanet 100988, MedGen C1838192, MONDO:0010878, OMIM 600363.

Allele frequency attached by ClinVar (database versions not stated): gnomAD exomes 0.00002.
gnomAD v4.1: 22 of 1,078,524 alleles (0.002%); highest among the groups gnomAD compares: Non-Finnish European, 0.0025%; no homozygotes.

Submission:

Labcorp Genetics (formerly Invitae), Labcorp
Classification: Uncertain significance for Hereditary spastic paraplegia 6. Last evaluated: 2023-12-30. Review status: criteria provided, single submitter. Criteria: Invitae Variant Classification Sherloc (09022015). Collection method: clinical testing. Allele origin: germline.
Comment: This sequence change replaces alanine, which is neutral and non-polar, with valine, which is neutral and non-polar, at codon 5 of the NIPA1 protein (p.Ala5Val). This variant is not present in population databases (gnomAD no frequency). This variant has not been reported in the literature in individuals affected with NIPA1-related conditions. Experimental studies and prediction algorithms are not available or were not evaluated, and the functional significance of this variant is currently unknown. In summary, the available evidence is currently insufficient to determine the role of this variant in disease. Therefore, it has been classified as a Variant of Uncertain Significance.